The following is an entry in ClinVar:

NM_007294.4(BRCA1):c.4533C>T (p.His1511=)

Gene: BRCA1 (BRCA1 DNA repair associated; minus strand). Cytogenetic location: 17q21.31.
Variant type: single nucleotide variant.
Coding change: c.4533C>T on transcript NM_007294.4 (MANE Select); coding-DNA position 4533, C replaced by T.
Protein change: p.His1511=; no amino-acid change (histidine 1511 retained).
Molecular consequence: synonymous variant. On other transcripts: intron variant (3).
Genome position (GRCh38, 1-based): chr17:43,074,473, G>A on the plus strand (C>T on the coding strand, the complement: BRCA1 is on the minus strand). VCF-style: chr17-43074473-G-A. GRCh37 (hg19) VCF-style: chr17-41226490-G-A.
Other names: c.4269C>T, p.His1423= (NM_001407922.1, NM_001407924.1, NM_001407923.1 and 4 more transcripts); c.4533C>T, p.His1511= (NM_001407602.1, NM_001407603.1, NM_001407605.1 and 8 more transcripts); c.4530C>T, p.His1510= (NM_001407610.1, NM_001407611.1, NM_001407612.1 and 17 more transcripts); c.4527C>T, p.His1509= (NM_001407627.1, NM_001407628.1, NM_001407629.1 and 14 more transcripts); c.4524C>T, p.His1508= (NM_001407644.1, NM_001407645.1); c.4521C>T, p.His1507= (NM_001407646.1); c.4518C>T, p.His1506= (NM_001407647.1); c.4476C>T, p.His1492= (NM_001407648.1); and 71 more.
Identifiers: ClinVar variation 1049278 (VCV001049278.11), dbSNP rs1567778195, ClinGen allele CA500146651.

ClinVar aggregate classification (germline): Likely benign. Review status: criteria provided, multiple submitters, no conflicts (2 of 4 stars). 4 submissions from 4 submitters: Likely benign (3). 1 of the submissions does not count toward it. Last evaluated 2024-04-24.

Conditions:
Hereditary cancer-predisposing syndrome. Also called: Tumor predisposition; Hereditary neoplastic syndrome; Hereditary Cancer Syndrome; Neoplastic Syndromes, Hereditary. Identifiers: Orphanet 140162, MedGen C0027672, MeSH D009386, MONDO:0015356.
Hereditary breast ovarian cancer syndrome. Also called: Hereditary breast and ovarian cancer syndrome; Hereditary breast and ovarian cancer; Hereditary breast and ovarian cancer syndrome (HBOC); BRCA1- and BRCA2-Associated Hereditary Breast and Ovarian Cancer; Hereditary breast and/or ovarian cancer syndrome; Breast and ovarian cancer. Identifiers: Orphanet 145, MedGen C0677776, MeSH D061325, MONDO:0003582. Disease mechanism: loss of function.

Allele frequency attached by ClinVar (database versions not stated): gnomAD exomes below 0.00001.
gnomAD v4.1: 1 of 1,614,118 alleles (0.000062%); highest among the groups gnomAD compares: Non-Finnish European, 0.000085%; no homozygotes.

Submissions (4):

Labcorp Genetics (formerly Invitae), Labcorp
Classification: Likely benign for Hereditary breast ovarian cancer syndrome. Last evaluated: 2024-04-24. Review status: criteria provided, single submitter. Criteria: Invitae Variant Classification Sherloc (09022015). Collection method: clinical testing. Allele origin: germline.

Quest Diagnostics Nichols Institute San Juan Capistrano
Classification: Likely benign. Last evaluated: 2023-09-20. Review status: criteria provided, single submitter. Criteria: Quest Diagnostics criteria. Collection method: clinical testing. Allele origin: unknown.

Ambry Genetics
Classification: Likely benign for Hereditary cancer-predisposing syndrome. Last evaluated: 2023-01-30. Review status: criteria provided, single submitter. Criteria: Ambry Variant Classification Scheme 2023. Collection method: clinical testing. Allele origin: germline.

Department of Pathology and Laboratory Medicine, Sinai Health System
Classification: Likely benign. Review status: no assertion criteria provided. Collection method: clinical testing. Allele origin: unknown. Affected: yes. Study: The Canadian Open Genetics Repository (COGR). Not counted in ClinVar's aggregate classification.
Comment: The BRCA1 p.His1511= variant was not identified in the literature nor was it identified in the dbSNP, ClinVar, LOVD 3.0 or UMD-LSDB databases. The variant was not identified in the following control databases: the Exome Aggregation Consortium (August 8th 2016) or the Genome Aggregation Database (Feb 27, 2017). The p.His1511= variant is not expected to have clinical significance because it does not result in a change of amino acid and is not located in a known consensus splice site. In addition, in silico or computational prediction software programs (SpliceSiteFinder, MaxEntScan, NNSPLICE, GeneSplicer) do not predict a difference in splicing. In summary, based on the above information the clinical significance of this variant cannot be determined with certainty at this time although we would lean towards a more benign role for this variant. This variant is classified as likely benign.